The following is an entry in ClinVar:

NM_001008537.3(NEXMIF):c.2598C>A (p.Ser866=)

Gene: NEXMIF (neurite extension and migration factor; minus strand). Cytogenetic location: Xq13.3.
Variant type: single nucleotide variant.
Coding change: c.2598C>A on transcript NM_001008537.3 (MANE Select); coding-DNA position 2598, C replaced by A.
Protein change: p.Ser866=; no amino-acid change (serine 866 retained).
Molecular consequence: synonymous variant.
Genome position (GRCh38, 1-based): chrX:74,741,959, G>T on the plus strand (C>A on the coding strand, the complement: NEXMIF is on the minus strand). VCF-style: chrX-74741959-G-T. GRCh37 (hg19) VCF-style: chrX-73961794-G-T.
Other names: p.Ser866=.
Identifiers: ClinVar variation 129383 (VCV000129383.25), dbSNP rs41298498, ClinGen allele CA153346.

ClinVar aggregate classification (germline): Benign. Review status: criteria provided, multiple submitters, no conflicts (2 of 4 stars). 7 submissions from 7 submitters: Benign (6). 1 of the submissions does not count toward it. Last evaluated 2026-02-03.

Allele frequency attached by ClinVar (database versions not stated): ESP Exome Variant Server 0.01439; gnomAD 0.01502 and 0.01575; 1000 Genomes Project 0.01510; 1000 Genomes Project 30x 0.01519; gnomAD exomes 0.01864 and 0.02065; ExAC 0.02153; TOPMed 0.01341.
gnomAD v4.1: 22,176 of 1,209,789 alleles (1.8%); highest among the groups gnomAD compares: South Asian, 4.8%; 167 homozygotes.

Submissions (7):

Labcorp Genetics (formerly Invitae), Labcorp
Classification: Benign. Last evaluated: 2026-02-03. Review status: criteria provided, single submitter. Criteria: Invitae Variant Classification Sherloc (09022015). Collection method: clinical testing. Allele origin: germline.

Mayo Clinic Laboratories, Mayo Clinic
Classification: Benign. Last evaluated: 2022-12-07. Review status: criteria provided, single submitter. Criteria: ACMG Guidelines, 2015. Collection method: clinical testing. Allele origin: germline. Observed: 6 variant alleles.
Comment: BS1, BS2, BP4, BP7

GeneDx
Classification: Benign. Last evaluated: 2019-08-01. Review status: criteria provided, single submitter. Criteria: GeneDx Variant Classification Process June 2021. Collection method: clinical testing. Allele origin: germline. Affected: yes.

Athena Diagnostics
Classification: Benign. Last evaluated: 2017-09-30. Review status: criteria provided, single submitter. Criteria: Athena Diagnostics Criteria. Collection method: clinical testing. Allele origin: germline.

Ambry Genetics
Classification: Benign. Last evaluated: 2014-11-24. Review status: criteria provided, single submitter. Criteria: Ambry Variant Classification Scheme 2023. Collection method: clinical testing. Allele origin: germline.

Breakthrough Genomics
Classification: Benign. Review status: criteria provided, single submitter. Criteria: ACMG Guidelines, 2015. Collection method: not provided. Allele origin: germline. Inheritance: X-linked inheritance. Affected: yes.

Genetic Services Laboratory, University of Chicago
Classification: Likely benign for AllHighlyPenetrant. Review status: no assertion criteria provided. Collection method: clinical testing. Allele origin: germline. Inheritance: X-linked inheritance. Not counted in ClinVar's aggregate classification.
Comment: Likely benign based on allele frequency in 1000 Genomes Project or ESP global frequency and its presence in a patient with a rare or unrelated disease phenotype. NOT Sanger confirmed.